The following is an entry in ClinVar:

NM_020778.5(ALPK3):c.3398_3399dup (p.Ala1134Ter)

Gene: ALPK3 (alpha kinase 3; plus strand). Cytogenetic location: 15q25.3.
Variant type: Duplication.
Coding change: c.3398_3399dup on transcript NM_020778.5 (MANE Select); coding-DNA positions 3398 to 3399, 2 bases duplicated (TA; older notation c.3398_3399dupTA).
Protein change: p.Ala1134Ter; replaces alanine 1134 with a stop codon.
Molecular consequence: nonsense.
Genome position (GRCh38, 1-based): chr15:84,858,136-84,858,137, TA duplicated; duplicating any 2 consecutive bases within chr15:84,858,135-84,858,137 gives the same sequence; the c. name uses the placement nearest the transcript's 3' end. VCF-style (leftmost placement, unchanged base first): chr15-84858134-C-CAT. GRCh37 (hg19) VCF-style: chr15-85401365-C-CAT.
Other names: short protein forms A1134*.
Identifiers: ClinVar variation 1458282 (VCV001458282.6), dbSNP rs1963891093, ClinGen allele CA915940944.
Genomic context (GRCh38, chr15:84,858,134, plus strand): 5'-TGGTCGACTGGGGGAGGCGGGTGGGCAGGCAGCCCCTGGACAGGGGCCCTCAGCAGAGAG[C>CAT]ATAGCCCAGGAGCCCTCCCAAGAGGAGAAGTTCCCAGGGGAGGCTCTGACAGGTCTCCCG-3'

ClinVar aggregate classification (germline): Pathogenic (1 of 4 stars; one submission).

Submission:

Labcorp Genetics (formerly Invitae), Labcorp
Classification: Pathogenic. Last evaluated: 2022-05-12. Review status: criteria provided, single submitter. Criteria: Invitae Variant Classification Sherloc (09022015). Collection method: clinical testing. Allele origin: germline.
Comment: For these reasons, this variant has been classified as Pathogenic. This premature translational stop signal has been observed in individual(s) with hypertrophic cardiomyopathy (PMID: 32480058). This variant is not present in population databases (gnomAD no frequency). This sequence change creates a premature translational stop signal (p.Ala1336*) in the ALPK3 gene. It is expected to result in an absent or disrupted protein product. Loss-of-function variants in ALPK3 are known to be pathogenic (PMID: 21441111, 26846950, 27106955, 34263907).

Literature cited by the submitters: PubMed 32480058; PubMed 21441111; PubMed 26846950; PubMed 27106955; PubMed 34263907.